The following is an entry in ClinVar:

NM_001211.6(BUB1B):c.1875A>G (p.Ile625Met)

Gene: BUB1B (BUB1 mitotic checkpoint serine/threonine kinase B; plus strand). Cytogenetic location: 15q15.1.
Variant type: single nucleotide variant.
Coding change: c.1875A>G on transcript NM_001211.6 (MANE Select); coding-DNA position 1875, A replaced by G.
Protein change: p.Ile625Met; replaces isoleucine 625 with methionine.
Molecular consequence: missense variant.
Genome position (GRCh38, 1-based): chr15:40,206,324, A>G. VCF-style: chr15-40206324-A-G. GRCh37 (hg19) VCF-style: chr15-40498525-A-G.
Other names: short protein forms I625M.
Identifiers: ClinVar variation 465364 (VCV000465364.14), dbSNP rs541881263, ClinGen allele CA7475894.

ClinVar aggregate classification (germline): Uncertain significance. Review status: criteria provided, multiple submitters, no conflicts (2 of 4 stars). 3 submissions from 3 submitters: Uncertain significance (3). Last evaluated 2026-10-01.

Conditions:
Premature chromatid separation trait (PCS). Also called: TOTAL PREMATURE CHROMATID SEPARATION TRAIT. Identifiers: MedGen C1864389, MONDO:0008304, OMIM 176430.
Colorectal cancer. Also called: Colorectal cancer, somatic; Malignant Colorectal Neoplasm. Identifiers: MedGen C0346629, MONDO:0005575, OMIM 114500.
Mosaic variegated aneuploidy syndrome 1 (MVA1). Also called: Warburton-Anyane-Yeboa syndrome. Identifiers: Orphanet 1052, MedGen C1850343, MONDO:0009759, OMIM 257300.

Allele frequency attached by ClinVar (database versions not stated): gnomAD 0.00002 and 0.00003; gnomAD exomes 0.00004 and 0.00013; TOPMed 0.00012; ExAC 0.00016; 1000 Genomes Project 0.00020; 1000 Genomes Project 30x 0.00031.
gnomAD v4.1: 57 of 1,614,190 alleles (0.0035%); highest among the groups gnomAD compares: East Asian, 0.11%; no homozygotes.

Submissions (3):

St. Jude Molecular Pathology, St. Jude Children's Research Hospital
Classification: Uncertain significance for Mosaic variegated aneuploidy syndrome 1. Last evaluated: 2026-10-01. Review status: criteria provided, single submitter. Criteria: St. Jude Assertion Criteria 2020. Collection method: clinical testing. Allele origin: germline.
Comment: The BUB1B c.1875A>G p.(Ile625Met) missense change has a maximum subpopulation frequency of 0.17%in gnomAD v2.1.1. The in silico tool REVEL predicts a benign effect on prote in function, but to our knowledge this prediction has not been confirmed by functional studies. To our knowledge, this variant has not been reported in individuals with mosaic variegated aneuploidy syndrome. In summary, the evidence currently available is insufficient to determine the clinical significance of this variant. It has therefore been classified as of uncertain significance.

Labcorp Genetics (formerly Invitae), Labcorp
Classification: Uncertain significance for Mosaic variegated aneuploidy syndrome 1. Last evaluated: 2025-11-11. Review status: criteria provided, single submitter. Criteria: Invitae Variant Classification Sherloc (09022015). Collection method: clinical testing. Allele origin: germline.
Comment: This sequence change replaces isoleucine, which is neutral and non-polar, with methionine, which is neutral and non-polar, at codon 625 of the BUB1B protein (p.Ile625Met). This variant is present in population databases (rs541881263, gnomAD 0.2%). This variant has not been reported in the literature in individuals affected with BUB1B-related conditions. ClinVar contains an entry for this variant (Variation ID: 465364). An algorithm developed to predict the effect of missense changes on protein structure and function (PolyPhen-2) suggests that this variant is likely to be tolerated. In summary, the available evidence is currently insufficient to determine the role of this variant in disease. Therefore, it has been classified as a Variant of Uncertain Significance.

Fulgent Genetics
Classification: Uncertain significance for Colorectal cancer; Premature chromatid separation trait; Mosaic variegated aneuploidy syndrome 1. Last evaluated: 2024-02-15. Review status: criteria provided, single submitter. Criteria: ACMG Guidelines, 2015. Collection method: clinical testing. Allele origin: germline.